The following is an entry in ClinVar:

NM_198334.3(GANAB):c.1433G>A (p.Arg478Gln)

Gene: GANAB (glucosidase II alpha subunit; minus strand). Cytogenetic location: 11q12.3.
Variant type: single nucleotide variant.
Coding change: c.1433G>A on transcript NM_198334.3 (MANE Select); coding-DNA position 1433, G replaced by A.
Protein change: p.Arg478Gln; replaces arginine 478 with glutamine.
Molecular consequence: missense variant.
Genome position (GRCh38, 1-based): chr11:62,630,459, C>T on the plus strand (G>A on the coding strand, the complement: GANAB is on the minus strand). VCF-style: chr11-62630459-C-T. GRCh37 (hg19) VCF-style: chr11-62397931-C-T.
Other names: c.1157G>A, p.Arg386Gln (NM_001278192.2); c.1091G>A, p.Arg364Gln (NM_001278193.2); c.1142G>A, p.Arg381Gln (NM_001278194.2, NM_001329222.2, NM_001329223.2); c.710G>A, p.Arg237Gln (NM_001329224.2, NM_001329225.2); c.1499G>A, p.Arg500Gln (NM_198335.4); short protein forms R237Q, R364Q, R381Q, R386Q, R478Q, R500Q.
Identifiers: ClinVar variation 977520 (VCV000977520.1), dbSNP rs1355968760, ClinGen allele CA380992730.

ClinVar aggregate classification (germline): Uncertain significance (1 of 4 stars; one submission).

Conditions:
Polycystic kidney disease 3 with or without polycystic liver disease. Also called: Polycystic kidney disease 3; Polycystic Kidney and/or Polycystic Liver Disease 3; POLYCYSTIC KIDNEY DISEASE, ADULT, TYPE III. Identifiers: MedGen C3887964, MONDO:0010916, OMIM 600666.

Allele frequency attached by ClinVar (database versions not stated): TOPMed below 0.00001; gnomAD 0.00001.
gnomAD v4.1: 20 of 1,614,036 alleles (0.0012%); highest among the groups gnomAD compares: Non-Finnish European, 0.0015%; no homozygotes.

Submission:

Arkana Molecular Diagnostic Laboratory, Arkana Laboratories
Classification: Uncertain significance for Polycystic kidney disease 3 with or without polycystic liver disease. Last evaluated: 2020-03-23. Review status: criteria provided, single submitter. Criteria: ACMG Guidelines, 2015. Collection method: clinical testing. Allele origin: inherited. Affected: yes. Observed: 1 variant allele.
Comment: NGS Exome with Sanger sequencing confirmation